The following is an entry in ClinVar:

ClinVar aggregate classification (germline): Conflicting classifications of pathogenicity. Review status: criteria provided, conflicting classifications (1 of 4 stars). 2 submissions from 2 submitters: Likely pathogenic (1); Uncertain significance (1). Last evaluated 2025-03-05.

Conditions:
Hereditary cancer-predisposing syndrome. Also called: Neoplastic Syndromes, Hereditary; Tumor predisposition; Hereditary Cancer Syndrome; Hereditary neoplastic syndrome. Identifiers: Orphanet 140162, MedGen C0027672, MeSH D009386, MONDO:0015356.
Cardiovascular phenotype. Identifiers: MedGen CN230736.

Allele frequency attached by ClinVar (database versions not stated): gnomAD exomes below 0.00001; TOPMed below 0.00001.
gnomAD v4.1: 5 of 1,611,560 alleles (0.00031%); highest among the groups gnomAD compares: Non-Finnish European, 0.00042%; no homozygotes.

Submissions (2):

Ambry Genetics
Classification: Uncertain significance for Cardiovascular phenotype; Hereditary cancer-predisposing syndrome. Last evaluated: 2025-03-05. Review status: criteria provided, single submitter. Criteria: Ambry Variant Classification Scheme 2023. Collection method: clinical testing. Allele origin: germline.
Comment: The c.2219+1G>A intronic variant results from a G to A substitution one nucleotide after coding exon 18 of the LZTR1 gene. This nucleotide position is highly conserved in available vertebrate species. This alteration is located within a U12-type intron and in silico tools are not reliable predictors of splice sites in this type of intron. In addition, direct RNA evidence is insufficient at this time (Ambry internal data). Since supporting evidence is limited at this time, the clinical significance of this alteration remains unclear.

Labcorp Genetics (formerly Invitae), Labcorp
Classification: Likely pathogenic. Last evaluated: 2024-07-24. Review status: criteria provided, single submitter. Criteria: Invitae Variant Classification Sherloc (09022015). Collection method: clinical testing. Allele origin: germline.
Comment: This sequence change affects a donor splice site in intron 18 of the LZTR1 gene. It is expected to disrupt RNA splicing. Variants that disrupt the donor or acceptor splice site typically lead to a loss of protein function (PMID: 16199547), and loss-of-function variants in LZTR1 are known to be pathogenic (PMID: 24362817, 25335493, 25480913, 25795793, 29469822, 30368668, 30442762, 30442766, 30481304, 30859559). The frequency data for this variant in the population databases is considered unreliable, as metrics indicate poor data quality at this position in the gnomAD database. This variant has not been reported in the literature in individuals affected with LZTR1-related conditions. ClinVar contains an entry for this variant (Variation ID: 1787874). In summary, the currently available evidence indicates that the variant is pathogenic, but additional data are needed to prove that conclusively. Therefore, this variant has been classified as Likely Pathogenic.

Literature cited by the submitters: PubMed 16199547 (cited by Labcorp Genetics (formerly Invitae), Labcorp); PubMed 24362817 (cited by Labcorp Genetics (formerly Invitae), Labcorp); PubMed 25335493 (cited by Labcorp Genetics (formerly Invitae), Labcorp); PubMed 25480913 (cited by Labcorp Genetics (formerly Invitae), Labcorp); PubMed 25795793 (cited by Labcorp Genetics (formerly Invitae), Labcorp); PubMed 29469822 (cited by Labcorp Genetics (formerly Invitae), Labcorp); PubMed 30368668 (cited by Labcorp Genetics (formerly Invitae), Labcorp); PubMed 30442762 (cited by Labcorp Genetics (formerly Invitae), Labcorp); PubMed 30442766 (cited by Labcorp Genetics (formerly Invitae), Labcorp); PubMed 30481304 (cited by Labcorp Genetics (formerly Invitae), Labcorp); PubMed 30859559 (cited by Labcorp Genetics (formerly Invitae), Labcorp).

NM_006767.4(LZTR1):c.2219+1G>A

Gene: LZTR1 (leucine zipper like post translational regulator 1; plus strand). Cytogenetic location: 22q11.21.
Variant type: single nucleotide variant.
Coding change: c.2219+1G>A on transcript NM_006767.4 (MANE Select); the canonical splice donor site of the intron after coding-DNA position 2219, G replaced by A.
Molecular consequence: splice donor variant.
Genome position (GRCh38, 1-based): chr22:20,996,113, G>A. VCF-style: chr22-20996113-G-A. GRCh37 (hg19) VCF-style: chr22-21350402-G-A.
Identifiers: ClinVar variation 1787874 (VCV001787874.6), dbSNP rs1342909456, ClinGen allele CA410780066.